The following is an entry in ClinVar:

NM_201384.3(PLEC):c.2337C>T (p.Gly779=)

Gene: PLEC (plectin; minus strand). Cytogenetic location: 8q24.3.
Variant type: single nucleotide variant.
Coding change: c.2337C>T on transcript NM_201384.3 (MANE Select); coding-DNA position 2337, C replaced by T.
Protein change: p.Gly779=; no amino-acid change (glycine 779 retained).
Molecular consequence: synonymous variant.
Genome position (GRCh38, 1-based): chr8:143,930,504, G>A on the plus strand (C>T on the coding strand, the complement: PLEC is on the minus strand). VCF-style: chr8-143930504-G-A. GRCh37 (hg19) VCF-style: chr8-145004672-G-A.
Other names: c.2418C>T, p.Gly806= (NM_000445.5); c.2295C>T, p.Gly765= (NM_201378.4); c.2271C>T, p.Gly757= (NM_201379.3); c.2748C>T, p.Gly916= (NM_201380.4); c.2241C>T, p.Gly747= (NM_201381.3); c.2337C>T, p.Gly779= (NM_201382.4); c.2349C>T, p.Gly783= (NM_201383.3).
Identifiers: ClinVar variation 681068 (VCV000681068.11), dbSNP rs782769121, ClinGen allele CA4927565.

ClinVar aggregate classification (germline): Likely benign. Review status: criteria provided, multiple submitters, no conflicts (2 of 4 stars). 2 submissions from 2 submitters: Likely benign (2). Last evaluated 2026-01-04.

Conditions:
Epidermolysis bullosa simplex, Ogna type (EBS5A). Also called: Pidermolysis bullosa simplex 5A, Ogna type; EPIDERMOLYSIS BULLOSA SIMPLEX 5A, OGNA TYPE. Identifiers: Orphanet 79401, MedGen C0432317, MONDO:0007555, OMIM 131950.
Epidermolysis bullosa simplex 5C, with pyloric atresia (EBS5C). Also called: PLEC1-Related Epidermolysis Bullosa with Pyloric Atresia; PLEC-Related Epidermolysis Bullosa with Pyloric Atresia; Epidermolysis bullosa simplex with pyloric atresia. Identifiers: Orphanet 158684, MedGen C2677349, MONDO:0012807, OMIM 612138.
Epidermolysis bullosa simplex 5B, with muscular dystrophy (EBS5B). Also called: Epidermolysis bullosa simplex with muscular dystrophy; EPIDERMOLYSIS BULLOSA SIMPLEX AND LIMB-GIRDLE MUSCULAR DYSTROPHY. Identifiers: Orphanet 257, MedGen C2931072, MONDO:0009181, OMIM 226670.
Autosomal recessive limb-girdle muscular dystrophy type 2Q (LGMDR17). Also called: MUSCULAR DYSTROPHY, LIMB-GIRDLE, AUTOSOMAL RECESSIVE 17. Identifiers: Orphanet 254361, MedGen C3150989, MONDO:0013390, OMIM 613723.
Epidermolysis bullosa simplex with nail dystrophy (EBS5D). Identifiers: MedGen C4225309, MONDO:0014661, OMIM 616487.

Allele frequency attached by ClinVar (database versions not stated): TOPMed 0.00004; gnomAD exomes 0.00007; gnomAD 0.00010; ExAC 0.00012.

Submissions (2):

Labcorp Genetics (formerly Invitae), Labcorp
Classification: Likely benign for Autosomal recessive limb-girdle muscular dystrophy type 2Q; Epidermolysis bullosa simplex, Ogna type; Epidermolysis bullosa simplex with nail dystrophy; Epidermolysis bullosa simplex 5C, with pyloric atresia; Epidermolysis bullosa simplex 5B, with muscular dystrophy. Last evaluated: 2026-01-04. Review status: criteria provided, single submitter. Criteria: Invitae Variant Classification Sherloc (09022015). Collection method: clinical testing. Allele origin: germline.

GeneDx
Classification: Likely benign. Last evaluated: 2018-03-22. Review status: criteria provided, single submitter. Criteria: GeneDx Variant Classification (06012015). Collection method: clinical testing. Allele origin: germline. Affected: yes.
Comment: This variant is considered likely benign or benign based on one or more of the following criteria: it is a conservative change, it occurs at a poorly conserved position in the protein, it is predicted to be benign by multiple in silico algorithms, and/or has population frequency not consistent with disease.